The following is an entry in ClinVar:

ClinVar aggregate classification (germline): Pathogenic. Review status: criteria provided, multiple submitters, no conflicts (2 of 4 stars). 11 submissions from 11 submitters: Pathogenic (11). Last evaluated 2025-07-21.

Conditions:
CASK-related syndromic intellectual disability.
CASK-related disorder. Also called: CASK-related disorders; CASK-related condition.
Inborn genetic diseases. Identifiers: MedGen C0950123, MeSH D030342.
Syndromic X-linked intellectual disability Najm type (MICPCH). Also called: Intellectual developmental disorder and microcephaly with pontine and cerebellar hypoplasia; Mental retardation and microcephaly with pontine and cerebellar hypoplasia; Intellectual Disability and Microcephaly with Pontine and Cerebellar Hypoplasia; Intellectual Disability and Microcephaly with Pontine and Cerebellar Hypoplasia (MICPCH); MENTAL RETARDATION, X-LINKED, SYNDROMIC, NAJM TYPE; MICPCH SYNDROME. Identifiers: Orphanet 163937, MedGen C2677903, MONDO:0010417, OMIM 300749.
FG syndrome 4 (FGS4). Identifiers: MedGen C1845546, MONDO:0010318, OMIM 300422.
Intellectual disability, CASK-related, X-linked. Identifiers: MedGen CN043158.

Allele frequency attached by ClinVar (database versions not stated): TOPMed below 0.00001.

Submissions (11):

Rady Children's Institute for Genomic Medicine, Rady Children's Hospital San Diego
Classification: Pathogenic for CASK-related syndromic intellectual disability. Last evaluated: 2025-07-21. Review status: criteria provided, single submitter. Criteria: ACMG Guidelines, 2015. Collection method: clinical testing. Allele origin: germline. Affected: yes.
Comment: This nonsense variant found in exon 2 of 27 is predicted to result in loss of normal protein function through either protein truncation or nonsense-mediated mRNA decay. The CASK gene is constrained against loss-of-function variation (pLI = 1), and loss-of-function is an established mechanism of disease in CASK-related syndromic intellectual disability (HGMD, ClinVar database; PMID: 24278995). This variant has been previously reported in the heterozygous and hemizygous state in individuals with microcephaly with pontine and cerebellar hypoplasia (MICPCH) (PMID: 24781210, 36168867, 38622473). The c.82C>T (p.Arg28Ter) variant is present in the latest version of the gnomAD population database at an allele frequency of 0.00008% (1/ 1194215) and thus is presumed to be rare. Based on parental analysis, this variant likely occurred as a de novo event. Based on the available evidence, c.82C>T (p.Arg28Ter) is classified as Pathogenic.

Labcorp Genetics (formerly Invitae), Labcorp
Classification: Pathogenic for Intellectual disability, CASK-related, X-linked. Last evaluated: 2025-04-07. Review status: criteria provided, single submitter. Criteria: Invitae Variant Classification Sherloc (09022015). Collection method: clinical testing. Allele origin: germline.
Comment: This sequence change creates a premature translational stop signal (p.Arg28*) in the CASK gene. It is expected to result in an absent or disrupted protein product. Loss-of-function variants in CASK are known to be pathogenic (PMID: 19165920, 20029458, 21954287, 22452838, 22709267). This variant is not present in population databases (gnomAD no frequency). This premature translational stop signal has been observed in individual(s) with clinical features of CASK-related conditions (PMID: 24781210). ClinVar contains an entry for this variant (Variation ID: 158086). For these reasons, this variant has been classified as Pathogenic.

Blueprint Genetics
Classification: Pathogenic for CASK-related disorders. Last evaluated: 2023-09-22. Review status: criteria provided, single submitter. Criteria: ACMG Guidelines, 2015. Collection method: clinical testing. Allele origin: de novo. Affected: yes. Observed: 3 variant alleles.

Institute of Human Genetics, University of Leipzig Medical Center
Classification: Pathogenic for Syndromic X-linked intellectual disability Najm type. Last evaluated: 2023-08-14. Review status: criteria provided, single submitter. Criteria: ACMG Guidelines, 2015. Collection method: clinical testing. Allele origin: de novo. Affected: yes.
Comment: This variant was identified as de novo. Criteria applied: PVS1, PS2_MOD, PS4_MOD, PM2_SUP.

Mendelics
Classification: Pathogenic for Syndromic X-linked intellectual disability Najm type. Last evaluated: 2023-03-24. Review status: criteria provided, single submitter. Criteria: Mendelics Assertion Criteria 2017. Collection method: clinical testing. Allele origin: unknown.

3billion
Classification: Pathogenic for FG syndrome 4. Last evaluated: 2022-05-22. Review status: criteria provided, single submitter. Criteria: ACMG Guidelines, 2015. Collection method: clinical testing. Allele origin: germline. Affected: yes. Observed: 1 heterozygote.
Comment: The variant is not observed in the gnomAD v2.1.1 dataset. Stop-gained (nonsense): predicted to result in a loss or disruption of normal protein function through nonsense-mediated decay (NMD) or protein truncation. Multiple pathogenic variants are reported downstream of the variant. The variant has been reported to be associated with CASK related disorder (ClinVar ID: VCV000158086).Therefore, this variant is classified as pathogenic according to the recommendation of ACMG/AMP guideline.

CeGaT Center for Human Genetics Tuebingen
Classification: Pathogenic. Last evaluated: 2022-01-01. Review status: criteria provided, single submitter. Criteria: CeGaT Center For Human Genetics Tuebingen Variant Classification Criteria Version 2. Collection method: clinical testing. Allele origin: germline. Affected: yes. Observed: 1 variant allele.

GeneDx
Classification: Pathogenic. Last evaluated: 2020-10-15. Review status: criteria provided, single submitter. Criteria: GeneDx Variant Classification Process June 2021. Collection method: clinical testing. Allele origin: germline. Affected: yes.
Comment: Nonsense variant predicted to result in protein truncation or nonsense mediated decay in a gene for which loss-of-function is a known mechanism of disease; Not observed in large population cohorts (Lek et al., 2016); This variant is associated with the following publications: (PMID: 32696595, 24781210, 28944139)

Ambry Genetics
Classification: Pathogenic for Inborn genetic diseases. Last evaluated: 2019-11-21. Review status: criteria provided, single submitter. Criteria: Ambry Variant Classification Scheme 2023. Collection method: clinical testing. Allele origin: germline.
Comment: The p.R28* pathogenic mutation (also known as c.82C>T), located in coding exon 2 of the CASK gene, results from a C to T substitution at nucleotide position 82. This changes the amino acid from an arginine to a stop codon within coding exon 2. In addition to the clinical data presented in the literature, this alteration is expected to result in loss of function by premature protein truncation or nonsense-mediated mRNA decay. As such, this alteration is interpreted as a disease-causing mutation.

Genetic Services Laboratory, University of Chicago
Classification: Pathogenic for Syndromic X-linked intellectual disability Najm type. Last evaluated: 2014-08-27. Review status: criteria provided, single submitter. Criteria: ACMG Guidelines, 2007. Collection method: clinical testing. Allele origin: germline. Affected: yes.

Ozbek Human Genetics Laboratory, Izmir Biomedicine and Genome Center
Classification: Pathogenic for Syndromic X-linked intellectual disability Najm type. Review status: criteria provided, single submitter. Criteria: ACMG Guidelines, 2015. Collection method: research. Allele origin: germline. Inheritance: X-linked inheritance. Affected: yes. Observed: 1 hemizygote.
Comment: Examination revealed congenital microcephaly (-4 SDS), optic atrophy, and dysmorphic facial features, while cranial MRI demonstrated cerebellar hypoplasia and diffuse white matter volume loss. Whole exome sequencing identified a de novo hemizygous CASK nonsense variant (c.82C>T; p.Arg28*), classified as pathogenic (PVS1, PS2, PM2), confirming a diagnosis of MICPCH. Data obtained via the RAREBOOST project (Horizon 2020 ERA Chairs at Izmir Biomedicine and Genome Center - IBG).

Literature cited by the submitters: PubMed 24278995 (cited by Rady Children's Institute for Genomic Medicine, Rady Children's Hospital San Diego); PubMed 24781210 (cited by 3 submitters); PubMed 36168867 (cited by Rady Children's Institute for Genomic Medicine, Rady Children's Hospital San Diego); PubMed 38622473 (cited by Rady Children's Institute for Genomic Medicine, Rady Children's Hospital San Diego); PubMed 19165920 (cited by Labcorp Genetics (formerly Invitae), Labcorp); PubMed 20029458 (cited by Labcorp Genetics (formerly Invitae), Labcorp); PubMed 21954287 (cited by Labcorp Genetics (formerly Invitae), Labcorp); PubMed 22452838 (cited by Labcorp Genetics (formerly Invitae), Labcorp); PubMed 22709267 (cited by Labcorp Genetics (formerly Invitae), Labcorp).

NM_001367721.1(CASK):c.82C>T (p.Arg28Ter)

Gene: CASK (calcium/calmodulin dependent serine protein kinase; minus strand). Cytogenetic location: Xp11.4.
Variant type: single nucleotide variant.
Coding change: c.82C>T on transcript NM_001367721.1 (MANE Select); coding-DNA position 82, C replaced by T.
Protein change: p.Arg28Ter; replaces arginine 28 with a stop codon.
Molecular consequence: nonsense.
Genome position (GRCh38, 1-based): chrX:41,853,205, G>A on the plus strand (C>T on the coding strand, the complement: CASK is on the minus strand). VCF-style: chrX-41853205-G-A. GRCh37 (hg19) VCF-style: chrX-41712458-G-A.
Other names: c.82C>T, p.Arg28Ter (NM_001126054.3, NM_001126055.3, NM_001410745.1 and 1 more transcripts); short protein forms R28*.
Identifiers: ClinVar variation 158086 (VCV000158086.60), dbSNP rs587783370, ClinGen allele CA171494.